The following is an entry in ClinVar:

ClinVar aggregate classification (germline): Uncertain significance (1 of 4 stars; one submission).

Allele frequency attached by ClinVar (database versions not stated): gnomAD exomes below 0.00001.
gnomAD v4.1: 6 of 1,614,080 alleles (0.00037%); highest among the groups gnomAD compares: Non-Finnish European, 0.00051%; no homozygotes.

Submission:

Labcorp Genetics (formerly Invitae), Labcorp
Classification: Uncertain significance. Last evaluated: 2022-09-01. Review status: criteria provided, single submitter. Criteria: Invitae Variant Classification Sherloc (09022015). Collection method: clinical testing. Allele origin: germline.
Comment: In summary, the available evidence is currently insufficient to determine the role of this variant in disease. Therefore, it has been classified as a Variant of Uncertain Significance. Algorithms developed to predict the effect of missense changes on protein structure and function are either unavailable or do not agree on the potential impact of this missense change (SIFT: "Not Available"; PolyPhen-2: "Probably Damaging"; Align-GVGD: "Not Available"). This variant has not been reported in the literature in individuals affected with ANK3-related conditions. This variant is present in population databases (no rsID available, gnomAD 0.0009%). This sequence change replaces glycine, which is neutral and non-polar, with aspartic acid, which is acidic and polar, at codon 2653 of the ANK3 protein (p.Gly2653Asp).

NM_020987.5(ANK3):c.7958G>A (p.Gly2653Asp)

Gene: ANK3 (ankyrin 3; minus strand). Cytogenetic location: 10q21.2.
Variant type: single nucleotide variant.
Coding change: c.7958G>A on transcript NM_020987.5 (MANE Select); coding-DNA position 7958, G replaced by A.
Protein change: p.Gly2653Asp; replaces glycine 2653 with aspartic acid.
Molecular consequence: missense variant. On other transcripts: intron variant (4).
Genome position (GRCh38, 1-based): chr10:60,072,923, C>T on the plus strand (G>A on the coding strand, the complement: ANK3 is on the minus strand). VCF-style: chr10-60072923-C-T. GRCh37 (hg19) VCF-style: chr10-61832681-C-T.
Other names: c.4388-4914G>A (NM_001204403.2); c.4409-4914G>A (NM_001204404.2); c.4406-4914G>A (NM_001320874.2); c.1808-4914G>A (NM_001149.4); short protein forms G2653D.
Identifiers: ClinVar variation 2047773 (VCV002047773.4), dbSNP rs1272684233, ClinGen allele CA377008902.
Genomic context (GRCh38, chr10:60,072,923, plus strand): 5'-GGGCTGCTGGGCAGACTGGGTGCCTTCTCCTCGGCCTTGGGGAAGCCTTGTCCATCAGGG[C>T]CATGCTGTCTTGCCTTAACCCACTCATCATTGGATGCCAGCAGTTCTGTCAGTAGCACTT-3'
Protein context (NP_066267.2, residues 2643-2663): NDEWVKARQH[Gly2653Asp]PDGQGFPKAE